The following is an entry in ClinVar:

ClinVar aggregate classification (germline): Uncertain significance (1 of 4 stars; one submission).

Conditions:
Hereditary cancer-predisposing syndrome. Also called: Hereditary Cancer Syndrome; Hereditary neoplastic syndrome; Tumor predisposition; Neoplastic Syndromes, Hereditary. Identifiers: Orphanet 140162, MedGen C0027672, MeSH D009386, MONDO:0015356.

Allele frequency attached by ClinVar (database versions not stated): gnomAD exomes below 0.00001; ExAC 0.00001.
gnomAD v4.1: 1 of 1,614,110 alleles (0.000062%); highest among the groups gnomAD compares: Non-Finnish European, 0.000085%; no homozygotes.

Submission:

Ambry Genetics
Classification: Uncertain significance for Hereditary cancer-predisposing syndrome. Last evaluated: 2022-08-03. Review status: criteria provided, single submitter. Criteria: Ambry Variant Classification Scheme 2023. Collection method: clinical testing. Allele origin: germline.
Comment: The p.S828F variant (also known as c.2483C>T), located in coding exon 16 of the SMARCA4 gene, results from a C to T substitution at nucleotide position 2483. The serine at codon 828 is replaced by phenylalanine, an amino acid with highly dissimilar properties. This amino acid position is highly conserved in available vertebrate species. In addition, the in silico prediction for this alteration is inconclusive. Missense and in-frame variants in SMARCA4 are known to cause neurodevelopmental disorders; however, such associations with rhabdoid tumor predisposition syndrome including small cell carcinoma of the ovary-hypercalcemic type (SCCOHT) are exceedingly rare (Kosho T et al. Am J Med Genet C Semin Med Genet. 2014 Sep;166C(3):262-75; Jelinic P et al. Nat Genet. 2014 May;46(5):424-6). Based on the supporting evidence, the association of this alteration with is Coffin-Siris syndrome unknown; however, the association of this alteration with rhabdoid tumor predisposition syndrome is unlikely.

NM_003072.5(SMARCA4):c.2483C>T (p.Ser828Phe)

Gene: SMARCA4 (SWI/SNF related BAF chromatin remodeling complex subunit ATPase 4; plus strand). Cytogenetic location: 19p13.2.
Variant type: single nucleotide variant.
Coding change: c.2483C>T on transcript NM_003072.5 (MANE Select); coding-DNA position 2483, C replaced by T.
Protein change: p.Ser828Phe; replaces serine 828 with phenylalanine.
Molecular consequence: missense variant. On other transcripts: non-coding transcript variant (1).
Genome position (GRCh38, 1-based): chr19:11,019,001, C>T. VCF-style: chr19-11019001-C-T. GRCh37 (hg19) VCF-style: chr19-11129677-C-T.
Other names: c.2483C>T, p.Ser828Phe (NM_001128844.3, NM_001128845.2, NM_001128846.2 and 6 more transcripts); short protein forms S828F.
Identifiers: ClinVar variation 1791955 (VCV001791955.2), dbSNP rs753542143, ClinGen allele CA9204129.